The following is an entry in ClinVar:

ClinVar aggregate classification (germline): Uncertain significance (1 of 4 stars; one submission).

Conditions:
Cardiomyopathy (CMYO). Also called: Cardiomyopathies. Identifiers: Orphanet 167848, MedGen C0878544, MONDO:0004994, HP:0001638. Inheritance: Various modes of inheritance.

Submission:

Color Diagnostics, LLC DBA Color Health
Classification: Uncertain significance for Cardiomyopathy. Last evaluated: 2021-09-07. Review status: criteria provided, single submitter. Criteria: ACMG Guidelines, 2015. Collection method: clinical testing. Allele origin: germline.
Comment: This variant causes a T to A nucleotide substitution at the -9 position of intron 10 of the RYR2 gene. Splice prediction tools and conservation analysis are inconclusive regarding the impact of this variant on RNA splicing. To our knowledge, functional studies have not been reported for this variant. This variant has not been reported in individuals affected with cardiovascular disorders in the literature. This variant has not been identified in the general population by the Genome Aggregation Database (gnomAD). The available evidence is insufficient to determine the role of this variant in disease conclusively. Therefore, this variant is classified as a Variant of Uncertain Significance.

NM_001035.3(RYR2):c.774-9T>A

Gene: RYR2 (ryanodine receptor 2; plus strand). Cytogenetic location: 1q43.
Variant type: single nucleotide variant.
Coding change: c.774-9T>A on transcript NM_001035.3 (MANE Select); 9 bases into the intron before coding-DNA position 774, T replaced by A.
Molecular consequence: intron variant.
Genome position (GRCh38, 1-based): chr1:237,417,040, T>A. VCF-style: chr1-237417040-T-A. GRCh37 (hg19) VCF-style: chr1-237580340-T-A.
Identifiers: ClinVar variation 2774242 (VCV002774242.2), dbSNP rs2528015231, ClinGen allele CA2574465042.
Genomic context (GRCh38, chr1:237,417,040, plus strand): 5'-AAAAATTAGAGTCCAAAGAATGAAACATGTTTAACTCACATTTGGGCTTTTGTTTGTTTG[T>A]TGAAACAGAACTGTTCATTATGAAGGTGGCGCTGTGTCTGTTCATGCACGTTCCCTTTGG-3'